The following is an entry in ClinVar:

ClinVar aggregate classification (germline): Pathogenic (1 of 4 stars; one submission).

Conditions:
Heterotopia, periventricular, X-linked dominant (PVNH1). Also called: PERIVENTRICULAR NODULAR HETEROTOPIA 1; PERIVENTRICULAR NODULAR HETEROTOPIA 4; HETEROTOPIA, PERIVENTRICULAR, 1; X-linked periventricular heterotopia. Identifiers: Orphanet 2149, Orphanet 82004, MedGen C1848213, MONDO:0010233, OMIM 300049.

Submission:

Variantyx, Inc.
Classification: Pathogenic for Heterotopia, periventricular, X-linked dominant. Last evaluated: 2025-09-10. Review status: criteria provided, single submitter. Criteria: Variantyx Assertion Criteria 2022. Collection method: clinical testing. Allele origin: maternal. Inheritance: X-linked inheritance.
Comment: This is a nonsense variant in the FLNA gene (OMIM: 300017). Pathogenic variants in this gene have been associated with X-linked periventricular heterotopia 1. This variant introduces a premature termination codon in exon 19 out of 48 and is expected to result in loss of function, which is a known disease mechanism for FLNA in this disorder (PMID: 11532987, 16684786) (PVS1). This variant is absent from control populations (PM2) and has not been reported in individuals with FLNA-related disorders in the databases available for review. Based on the current evidence, this variant is classified as pathogenic for X-linked periventricular heterotopia 1.

Literature cited by the submitters: PubMed 11532987; PubMed 16684786.

NM_001110556.2(FLNA):c.2728C>T (p.Gln910Ter)

Gene: FLNA (filamin A; minus strand). Cytogenetic location: Xq28.
Variant type: single nucleotide variant.
Coding change: c.2728C>T on transcript NM_001110556.2 (MANE Select); coding-DNA position 2728, C replaced by T.
Protein change: p.Gln910Ter; replaces glutamine 910 with a stop codon.
Molecular consequence: nonsense.
Genome position (GRCh38, 1-based): chrX:154,362,077, G>A on the plus strand (C>T on the coding strand, the complement: FLNA is on the minus strand). VCF-style: chrX-154362077-G-A. GRCh37 (hg19) VCF-style: chrX-153590445-G-A.
Other names: c.2728C>T, p.Gln910Ter (NM_001456.4); short protein forms Q910*.
Identifiers: ClinVar variation 4795946 (VCV004795946.1).
Genomic context (GRCh38, chrX:154,362,077, plus strand): 5'-CATGGTGGTCGATGATGTCCACATCTCGCACTGCATCCCCCTTGGTGAGTCCTGAGAACT[G>A]GACGTCCAGCTTGCCTTTGCCAGCAGCTTTGGCATTTACTGTGAAGTGGGTGGGCTTGCC-3'